The following is an entry in ClinVar:

Conditions:
Breast-ovarian cancer, familial, susceptibility to, 1 (BROVCA1). Also called: BRCA1 Hereditary Breast and Ovarian Cancer; OVARIAN CANCER, SUSCEPTIBILITY TO. Identifiers: Orphanet 145, MedGen C2676676, MONDO:0011450, OMIM 604370. Disease mechanism: loss of function.

Submission:

Brotman Baty Institute, University of Washington
No classification provided (evidence only). Condition: Breast-ovarian cancer, familial 1. Review status: no classification provided. Collection method: in vitro. Allele origin: not applicable. Functional consequence: functionally_normal.
ClinVar note: "not provided" was previously submitted as the classification for the variant. However, the classification appeared to be based only on an observation of functional data so it was converted to no classification on 2025-07-30.

NM_007294.4(BRCA1):c.38A>C (p.Asn13Thr)

Gene: BRCA1 (BRCA1 DNA repair associated; minus strand). Cytogenetic location: 17q21.31.
Variant type: single nucleotide variant.
Coding change: c.38A>C on transcript NM_007294.4 (MANE Select); coding-DNA position 38, A replaced by C.
Protein change: p.Asn13Thr; replaces asparagine 13 with threonine.
Molecular consequence: missense variant. On other transcripts: 5 prime UTR variant (1), non-coding transcript variant (1).
Genome position (GRCh38, 1-based): chr17:43,124,059, T>G on the plus strand (A>C on the coding strand, the complement: BRCA1 is on the minus strand). VCF-style: chr17-43124059-T-G. GRCh37 (hg19) VCF-style: chr17-41276076-T-G.
Other names: c.-151A>C (NM_001407571.1, NM_001407853.1, NM_001407879.1 and 46 more transcripts); c.38A>C, p.Asn13Thr (NM_001407581.1, NM_001407582.1, NM_001407583.1 and 193 more transcripts); c.-223A>C (NM_001407725.1, NM_001407730.1, NM_001407734.1 and 22 more transcripts); c.-169A>C (NM_001407726.1, NM_001407751.1); c.-220A>C (NM_001407727.1, NM_001407731.1, NM_001407733.1 and 11 more transcripts); c.-50A>C (NM_001407732.1, NM_001407736.1, NM_001407738.1 and 23 more transcripts); c.-227A>C (NM_001407741.1, NM_001407934.1, NM_001408497.1); c.-100A>C (NM_001407841.1); and 8 more; short protein forms N13T.
Identifiers: ClinVar variation 868721 (VCV000868721.3), dbSNP rs2055733986, ClinGen allele CA10602085.